The following is an entry in ClinVar:

NM_138927.4(SON):c.4132_4153del (p.Ser1379fs)

Gene: SON (SON DNA and RNA binding protein; plus strand). Cytogenetic location: 21q22.11.
Variant type: Deletion.
Coding change: c.4132_4153del on transcript NM_138927.4 (MANE Select); coding-DNA positions 4132 to 4153, 22 bases deleted (TCTTCGACTGTAACTGTCCTGG).
Protein change: p.Ser1379fs; shifts the reading frame from serine 1379.
Molecular consequence: frameshift variant. On other transcripts: non-coding transcript variant (1), intron variant (1).
Genome position (GRCh38, 1-based): chr21:33,553,363-33,553,384, TCTTCGACTGTAACTGTCCTGG deleted; deleting any 22 consecutive bases within chr21:33,553,362-33,553,384 gives the same sequence; the c. name uses the placement nearest the transcript's 3' end. VCF-style (leftmost placement, unchanged base first): chr21-33553361-AGTCTTCGACTGTAACTGTCCTG-A. GRCh37 (hg19) VCF-style: chr21-34925667-AGTCTTCGACTGTAACTGTCCTG-A.
Other names: c.4132_4153del, p.Ser1379fs (NM_001291411.2, NM_032195.3); c.4132_4153del22, p.Ser1379Leufs (NM_001412133.1, NM_058183.2, NM_138926.1); c.245-3793_245-3772del (NM_001291412.3); short protein forms S1379fs.
Identifiers: ClinVar variation 1806375 (VCV001806375.1), dbSNP rs2517378506, ClinGen allele CA913203538.

ClinVar aggregate classification (germline): no classifications from unflagged records (0 of 4 stars; one submission).

Conditions:
ZTTK syndrome (ZTTKS). Also called: ZTTK MULTIPLE CONGENITAL ANOMALIES-MENTAL RETARDATION SYNDROME; Zhu-Tokita-Takenouchi-Kim Syndrome. Identifiers: Orphanet 500150, MedGen C4310696, MONDO:0014936, OMIM 617140.

Submission:

Victorian Clinical Genetics Services, Murdoch Childrens Research Institute
Classification: Likely benign for ZTTK syndrome. Last evaluated: 2019-08-28. Review status: flagged submission. Criteria: ACMG Guidelines, 2015. Collection method: clinical testing. Allele origin: germline. Inheritance: Autosomal dominant inheritance.
Comment: A heterozygous in-frame deletion variant was identified, NM_138927.2(SON):c.4132_4155del in exon 3 of 12 of the SON gene. The variant is predicted to result in an in-frame deletion of multiple amino acids from position 1378 of the protein NP_620305.2(SON):p.(Ser1378_Glu1385del). The residues at this position have low conservation (100 vertebrates, UCSC), and are located within the rne super family domain. The variant is present in the gnomAD population database at a frequency of 0.047% (132 heterozygotes; 0 homozygotes). It has not been previously reported in clinical cases. Based on information available at the time of curation, this variant has been classified as LIKELY BENIGN.
ClinVar note: Notes: Submission appears to be for the wrong variant.
ClinVar note: Reason: Other submission error